The following is an entry in ClinVar:

ClinVar aggregate classification (germline): Uncertain significance. Review status: criteria provided, multiple submitters, no conflicts (2 of 4 stars). 3 submissions from 3 submitters: Uncertain significance (3). Last evaluated 2022-08-23.

Conditions:
Emery-Dreifuss muscular dystrophy 4, autosomal dominant (EDMD4). Also called: EMERY-DREIFUSS MUSCULAR DYSTROPHY 4 WITH VARIABLE FEATURES. Identifiers: Orphanet 261, MedGen C2751807, MONDO:0013071, OMIM 612998.
Autosomal recessive ataxia, Beauce type. Also called: SYNE1-Related Autosomal Recessive Cerebellar Ataxia; Spinocerebellar ataxia, autosomal recessive 8; ATAXIA, RECESSIVE, OF BEAUCE; SYNE1 Deficiency. Identifiers: Orphanet 88644, MedGen C1853116, MONDO:0012549, OMIM 610743.

Allele frequency attached by ClinVar (database versions not stated): TOPMed 0.00002; gnomAD 0.00003; gnomAD exomes 0.00006; ExAC 0.00007.

Submissions (3):

Labcorp Genetics (formerly Invitae), Labcorp
Classification: Uncertain significance for Emery-Dreifuss muscular dystrophy 4, autosomal dominant; Autosomal recessive ataxia, Beauce type. Last evaluated: 2022-08-23. Review status: criteria provided, single submitter. Criteria: Invitae Variant Classification Sherloc (09022015). Collection method: clinical testing. Allele origin: germline.
Comment: This sequence change replaces methionine, which is neutral and non-polar, with isoleucine, which is neutral and non-polar, at codon 3435 of the SYNE1 protein (p.Met3435Ile). This variant is present in population databases (rs755180412, gnomAD 0.08%). This variant has not been reported in the literature in individuals affected with SYNE1-related conditions. ClinVar contains an entry for this variant (Variation ID: 594707). Algorithms developed to predict the effect of missense changes on protein structure and function (SIFT, PolyPhen-2, Align-GVGD) all suggest that this variant is likely to be tolerated. In summary, the available evidence is currently insufficient to determine the role of this variant in disease. Therefore, it has been classified as a Variant of Uncertain Significance.

Baylor Genetics
Classification: Uncertain significance for Emery-Dreifuss muscular dystrophy 4, autosomal dominant. Last evaluated: 2019-02-18. Review status: criteria provided, single submitter. Criteria: ACMG Guidelines, 2015. Collection method: clinical testing. Allele origin: unknown. Affected: yes.
Comment: This variant was determined to be of uncertain significance according to ACMG Guidelines, 2015 [PMID:25741868].

Eurofins Ntd Llc (ga)
Classification: Uncertain significance. Last evaluated: 2017-11-03. Review status: criteria provided, single submitter. Criteria: EGL Classification Definitions 2015. Collection method: clinical testing. Allele origin: germline. Observed: 1 variant allele, 1 heterozygote.

NM_182961.4(SYNE1):c.10284G>T (p.Met3428Ile)

Gene: SYNE1 (spectrin repeat containing nuclear envelope protein 1; minus strand). Cytogenetic location: 6q25.2.
Variant type: single nucleotide variant.
Coding change: c.10284G>T on transcript NM_182961.4 (MANE Select); coding-DNA position 10284, G replaced by T.
Protein change: p.Met3428Ile; replaces methionine 3428 with isoleucine.
Molecular consequence: missense variant.
Genome position (GRCh38, 1-based): chr6:152,362,185, C>A on the plus strand (G>T on the coding strand, the complement: SYNE1 is on the minus strand). VCF-style: chr6-152362185-C-A. GRCh37 (hg19) VCF-style: chr6-152683320-C-A.
Other names: c.10305G>T, p.Met3435Ile (NM_033071.5); short protein forms M3428I, M3435I.
Identifiers: ClinVar variation 594707 (VCV000594707.8), dbSNP rs755180412, ClinGen allele CA4057011.